The following is an entry in ClinVar:

ClinVar aggregate classification (germline): Uncertain significance (1 of 4 stars; one submission).

Submission:

Labcorp Genetics (formerly Invitae), Labcorp
Classification: Uncertain significance. Last evaluated: 2023-01-16. Review status: criteria provided, single submitter. Criteria: Invitae Variant Classification Sherloc (09022015). Collection method: clinical testing. Allele origin: unknown.
Comment: In summary, the available evidence is currently insufficient to determine the role of this variant in disease. Therefore, it has been classified as a Variant of Uncertain Significance. Experimental studies and prediction algorithms are not available or were not evaluated, and the functional significance of this variant is currently unknown. This variant has not been reported in the literature in individuals affected with IMPG1-related conditions. This variant results in a copy number gain of the genomic region encompassing exon(s) 15-17 of the IMPG1 gene. This region includes the termination codon of the gene. This copy number gain extends beyond the assayed region for this gene and therefore may encompass additional genes. As the precise location of this event is unknown, it may be in tandem or it may be located elsewhere in the genome.

NC_000006.11:g.(?_76527265)_(76640888_?)dup

Genes: IMPG1 (interphotoreceptor matrix proteoglycan 1; minus strand), MYO6 (myosin VI; plus strand). Cytogenetic location: 6q14.1.
Variant type: Duplication.
Identifiers: ClinVar variation 3246160 (VCV003246160.1).